The following is an entry in ClinVar:

NM_000548.5(TSC2):c.273G>T (p.Pro91=)

Gene: TSC2 (TSC complex subunit 2; plus strand). Cytogenetic location: 16p13.3.
Variant type: single nucleotide variant.
Coding change: c.273G>T on transcript NM_000548.5 (MANE Select); coding-DNA position 273, G replaced by T.
Protein change: p.Pro91=; no amino-acid change (proline 91 retained).
Molecular consequence: synonymous variant. On other transcripts: intron variant (2).
Genome position (GRCh38, 1-based): chr16:2,053,389, G>T. VCF-style: chr16-2053389-G-T. GRCh37 (hg19) VCF-style: chr16-2103390-G-T.
Other names: c.273G>T, p.Pro91= (NM_001077183.3, NM_001114382.3, NM_001363528.2 and 3 more transcripts); c.126G>T, p.Pro42= (NM_001318829.2); c.306G>T, p.Pro102= (NM_001318832.2); c.226-907G>T (NM_001318827.2); c.-1-2807G>T (NM_001318831.2).
Identifiers: ClinVar variation 1555869 (VCV001555869.9), dbSNP rs772296140, ClinGen allele CA492955211.

ClinVar aggregate classification (germline): Benign/Likely benign. Review status: criteria provided, multiple submitters, no conflicts (2 of 4 stars). 2 submissions from 2 submitters: Benign (1); Likely benign (1). Last evaluated 2025-09-24.

Conditions:
Tuberous sclerosis 2 (TSC2). Identifiers: Orphanet 805, MedGen C1860707, MONDO:0013199, OMIM 613254.

gnomAD v4.1: 9 of 1,592,510 alleles (0.00057%); highest among the groups gnomAD compares: Non-Finnish European, 0.00077%; no homozygotes.

Submissions (2):

Labcorp Genetics (formerly Invitae), Labcorp
Classification: Likely benign for Tuberous sclerosis 2. Last evaluated: 2025-09-24. Review status: criteria provided, single submitter. Criteria: Invitae Variant Classification Sherloc (09022015). Collection method: clinical testing. Allele origin: germline.

Myriad Genetics, Inc.
Classification: Benign for Tuberous sclerosis 2. Last evaluated: 2025-05-02. Review status: criteria provided, single submitter. Criteria: Myriad Autosomal Dominant, Autosomal Recessive and X-Linked Classification Criteria (2023). Collection method: clinical testing. Allele origin: unknown.
Comment: This variant is considered benign. This variant is a silent/synonymous amino acid change and it is not expected to impact splicing.